The following is an entry in ClinVar:

ClinVar aggregate classification (germline): Uncertain significance. Review status: criteria provided, multiple submitters, no conflicts (2 of 4 stars). 4 submissions from 4 submitters: Uncertain significance (4). Last evaluated 2026-09-01.

Conditions:
CEP290-related disorder. Also called: CEP290-related condition; CEP290-related disorders. Identifiers: MedGen CN239314.
Inborn genetic diseases. Identifiers: MedGen C0950123, MeSH D030342.
Meckel-Gruber syndrome. Also called: DYSENCEPHALIA SPLANCHNOCYSTICA; GRUBER SYNDROME; Dysencephalia splachnocystica. Identifiers: Orphanet 564, MedGen C0265215, MONDO:0018921.
Nephronophthisis. Also called: Juvenile Nephronophthisis. Identifiers: Orphanet 655, MedGen C0687120, MONDO:0019005, HP:0000090.
Joubert syndrome. Also called: Familial aplasia of the vermis; JOUBERT-BOLTSHAUSER SYNDROME. Identifiers: Orphanet 475, MedGen C5979921, MONDO:0018772.

Allele frequency attached by ClinVar (database versions not stated): gnomAD 0.00001; gnomAD exomes 0.00001; TOPMed 0.00001; ExAC 0.00004.
gnomAD v4.1: 15 of 1,592,400 alleles (0.00094%); highest among the groups gnomAD compares: Admixed American, 0.014%; no homozygotes.

Submissions (4):

PreventionGenetics, part of Exact Sciences
Classification: Uncertain significance for CEP290-related condition. Last evaluated: 2026-09-01. Review status: criteria provided, single submitter. Criteria: ACMG Guidelines, 2015. Collection method: clinical testing. Allele origin: germline.
Comment: The CEP290 c.6200A>G variant is predicted to result in the amino acid substitution p.Lys2067Arg. To our knowledge, this variant has not been reported in the literature. This variant is reported in 0.019% of alleles in individuals of Latino descent in gnomAD. At this time, the clinical significance of this variant is uncertain due to the absence of conclusive functional and genetic evidence.

Ambry Genetics
Classification: Uncertain significance for Inborn genetic diseases. Last evaluated: 2025-10-29. Review status: criteria provided, single submitter. Criteria: Ambry Variant Classification Scheme 2023. Collection method: clinical testing. Allele origin: germline.

Labcorp Genetics (formerly Invitae), Labcorp
Classification: Uncertain significance for Joubert syndrome; Meckel-Gruber syndrome; Nephronophthisis. Last evaluated: 2022-10-04. Review status: criteria provided, single submitter. Criteria: Invitae Variant Classification Sherloc (09022015). Collection method: clinical testing. Allele origin: germline.
Comment: This sequence change replaces lysine, which is basic and polar, with arginine, which is basic and polar, at codon 2067 of the CEP290 protein (p.Lys2067Arg). This variant is present in population databases (rs765197228, gnomAD 0.02%). This variant has not been reported in the literature in individuals affected with CEP290-related conditions. Advanced modeling of protein sequence and biophysical properties (such as structural, functional, and spatial information, amino acid conservation, physicochemical variation, residue mobility, and thermodynamic stability) performed at Invitae indicates that this missense variant is not expected to disrupt CEP290 protein function. In summary, the available evidence is currently insufficient to determine the role of this variant in disease. Therefore, it has been classified as a Variant of Uncertain Significance.

Blueprint Genetics
Classification: Uncertain significance. Last evaluated: 2019-11-19. Review status: criteria provided, single submitter. Criteria: ACMG Guidelines, 2015. Collection method: clinical testing. Allele origin: germline.

NM_025114.4(CEP290):c.6200A>G (p.Lys2067Arg)

Gene: CEP290 (centrosomal protein 290; minus strand). Cytogenetic location: 12q21.32.
Variant type: single nucleotide variant.
Coding change: c.6200A>G on transcript NM_025114.4 (MANE Select); coding-DNA position 6200, A replaced by G.
Protein change: p.Lys2067Arg; replaces lysine 2067 with arginine.
Molecular consequence: missense variant.
Genome position (GRCh38, 1-based): chr12:88,064,051, T>C on the plus strand (A>G on the coding strand, the complement: CEP290 is on the minus strand). VCF-style: chr12-88064051-T-C. GRCh37 (hg19) VCF-style: chr12-88457828-T-C.
Other names: c.6200A>G (NM_025114.3); short protein forms K2067R.
Identifiers: ClinVar variation 1958012 (VCV001958012.5), dbSNP rs765197228, ClinGen allele CA6711549.